The following is an entry in ClinVar:

NM_001365276.2(TNXB):c.6454G>A (p.Gly2152Ser)

Gene: TNXB (tenascin XB; minus strand). Cytogenetic location: 6p21.33.
Variant type: single nucleotide variant.
Coding change: c.6454G>A on transcript NM_001365276.2 (MANE Select); coding-DNA position 6454, G replaced by A.
Protein change: p.Gly2152Ser; replaces glycine 2152 with serine.
Molecular consequence: missense variant.
Genome position (GRCh38, 1-based): chr6:32,067,751, C>T on the plus strand (G>A on the coding strand, the complement: TNXB is on the minus strand). VCF-style: chr6-32067751-C-T. GRCh37 (hg19) VCF-style: chr6-32035528-C-T.
Other names: c.6454G>A, p.Gly2152Ser (NM_019105.8); short protein forms G2152S.
Identifiers: ClinVar variation 2278381 (VCV002278381.3), dbSNP rs1160808140, ClinGen allele CA363399120.

ClinVar aggregate classification (germline): Uncertain significance (1 of 4 stars; one submission).

Conditions:
Cardiovascular phenotype. Identifiers: MedGen CN230736.

gnomAD v4.1: 3 of 1,613,788 alleles (0.00019%); highest among the groups gnomAD compares: African/African-American, 0.0013%; no homozygotes.

Submission:

Ambry Genetics
Classification: Uncertain significance for Cardiovascular phenotype. Last evaluated: 2025-10-27. Review status: criteria provided, single submitter. Criteria: Ambry Variant Classification Scheme 2023. Collection method: clinical testing. Allele origin: germline.
Comment: The p.G2152S variant (also known as c.6454G>A), located in coding exon 17 of the TNXB gene, results from a G to A substitution at nucleotide position 6454. The glycine at codon 2152 is replaced by serine, an amino acid with similar properties. This amino acid position is conserved. In addition, this alteration is predicted to be tolerated by in silico analysis. Based on the available evidence, the clinical significance of this variant remains unclear.